The following is an entry in ClinVar:

ClinVar aggregate classification (germline): Uncertain significance (1 of 4 stars; one submission).

Conditions:
IFT172-related disorder. Also called: IFT172-related condition; IFT172-related disorders.

Allele frequency attached by ClinVar (database versions not stated): ExAC 0.00001; gnomAD 0.00001; TOPMed 0.00001.
gnomAD v4.1: 14 of 1,608,180 alleles (0.00087%); highest among the groups gnomAD compares: Admixed American, 0.0017%; no homozygotes.

Submission:

PreventionGenetics, part of Exact Sciences
Classification: Uncertain significance for IFT172-related condition. Last evaluated: 2023-06-15. Review status: criteria provided, single submitter. Criteria: ACMG Guidelines, 2015. Collection method: clinical testing. Allele origin: germline.
Comment: The IFT172 c.521G>T variant is predicted to result in the amino acid substitution p.Gly174Val. To our knowledge, this variant has not been reported in the literature. This variant is reported in 0.0018% of alleles in individuals of European (Non-Finnish) descent in gnomAD. At this time, the clinical significance of this variant is uncertain due to the absence of conclusive functional and genetic evidence.

NM_015662.3(IFT172):c.521G>T (p.Gly174Val)

Gene: IFT172 (intraflagellar transport 172; minus strand). Cytogenetic location: 2p23.3.
Variant type: single nucleotide variant.
Coding change: c.521G>T on transcript NM_015662.3 (MANE Select); coding-DNA position 521, G replaced by T.
Protein change: p.Gly174Val; replaces glycine 174 with valine.
Molecular consequence: missense variant.
Genome position (GRCh38, 1-based): chr2:27,483,338, C>A on the plus strand (G>T on the coding strand, the complement: IFT172 is on the minus strand). VCF-style: chr2-27483338-C-A. GRCh37 (hg19) VCF-style: chr2-27706205-C-A.
Other names: c.521G>T, p.Gly174Val (NM_001410739.1); short protein forms G174V.
Identifiers: ClinVar variation 2629386 (VCV002629386.1), dbSNP rs781128477, ClinGen allele CA1580945.